The following is an entry in ClinVar:

ClinVar aggregate classification (germline): Uncertain significance (1 of 4 stars; one submission).

Conditions:
Hereditary spastic paraplegia 8 (SPG8). Also called: SPASTIC PARAPLEGIA 8, AUTOSOMAL DOMINANT. Identifiers: Orphanet 100989, MedGen C1863704, MONDO:0011339, OMIM 603563.
Ritscher-Schinzel syndrome. Also called: CRANIOCEREBELLOCARDIAC DYSPLASIA. Identifiers: Orphanet 7, MedGen C0796137, MONDO:0019078.

Allele frequency attached by ClinVar (database versions not stated): TOPMed 0.00002.
gnomAD v4.1: 52 of 1,613,994 alleles (0.0032%); highest among the groups gnomAD compares: Non-Finnish European, 0.0042%; no homozygotes.

Submission:

Labcorp Genetics (formerly Invitae), Labcorp
Classification: Uncertain significance for Ritscher-Schinzel syndrome; Hereditary spastic paraplegia 8. Last evaluated: 2025-07-08. Review status: criteria provided, single submitter. Criteria: Invitae Variant Classification Sherloc (09022015). Collection method: clinical testing. Allele origin: germline.
Comment: This sequence change replaces tyrosine, which is neutral and polar, with serine, which is neutral and polar, at codon 664 of the WASHC5 protein (p.Tyr664Ser). This variant is not present in population databases (gnomAD no frequency). This variant has not been reported in the literature in individuals affected with WASHC5-related conditions. ClinVar contains an entry for this variant (Variation ID: 2923489). Invitae Evidence Modeling of protein sequence and biophysical properties (such as structural, functional, and spatial information, amino acid conservation, physicochemical variation, residue mobility, and thermodynamic stability) has been performed for this missense variant. However, the output from this modeling did not meet the statistical confidence thresholds required to predict the impact of this variant on WASHC5 protein function. In summary, the available evidence is currently insufficient to determine the role of this variant in disease. Therefore, it has been classified as a Variant of Uncertain Significance.

NM_014846.4(WASHC5):c.1991A>C (p.Tyr664Ser)

Gene: WASHC5 (WASH complex subunit 5; minus strand). Cytogenetic location: 8q24.13.
Variant type: single nucleotide variant.
Coding change: c.1991A>C on transcript NM_014846.4 (MANE Select); coding-DNA position 1991, A replaced by C.
Protein change: p.Tyr664Ser; replaces tyrosine 664 with serine.
Molecular consequence: missense variant.
Genome position (GRCh38, 1-based): chr8:125,056,702, T>G on the plus strand (A>C on the coding strand, the complement: WASHC5 is on the minus strand). VCF-style: chr8-125056702-T-G. GRCh37 (hg19) VCF-style: chr8-126068944-T-G.
Other names: c.1547A>C, p.Tyr516Ser (NM_001330609.2); short protein forms Y664S, Y516S.
Identifiers: ClinVar variation 2923489 (VCV002923489.3), dbSNP rs776333653, ClinGen allele CA185305143.